The following is an entry in ClinVar:

ClinVar aggregate classification (germline): Uncertain significance (1 of 4 stars; one submission).

Submission:

GeneDx
Classification: Uncertain significance. Last evaluated: 2017-01-05. Review status: criteria provided, single submitter. Criteria: GeneDx Variant Classification (06012015). Collection method: clinical testing. Allele origin: germline. Affected: yes.
Comment: This variant is denoted POLE c.1213A>C at the cDNA level, p.Met405Leu (M405L) at the protein level, and results in the change of a Methionine to a Leucine (ATG>CTG). This variant has not, to our knowledge, been published in the literature as pathogenic or benign. POLE Met405Leu was not observed in approximately 6,500 individuals of European and African American ancestry in the NHLBI Exome Sequencing Project, suggesting it is not a common benign variant in these populations. Since Methionine and Leucine share similar properties, this is considered a conservative amino acid substitution. POLE Met405Leu occurs at a position that is conserved across species and is located in the Exonuclease domain (Preston 2010). In silico analyses are inconsistent regarding the effect this variant may have on protein structure and function. Based on currently available evidence, it is unclear whether POLE Met405Leu is a pathogenic or benign variant. We consider it to be a variant of uncertain significance.

NM_006231.4(POLE):c.1213A>C (p.Met405Leu)

Gene: POLE (DNA polymerase epsilon, catalytic subunit; minus strand). Cytogenetic location: 12q24.33.
Variant type: single nucleotide variant.
Coding change: c.1213A>C on transcript NM_006231.4 (MANE Select); coding-DNA position 1213, A replaced by C.
Protein change: p.Met405Leu; replaces methionine 405 with leucine.
Molecular consequence: missense variant.
Genome position (GRCh38, 1-based): chr12:132,675,411, T>G on the plus strand (A>C on the coding strand, the complement: POLE is on the minus strand). VCF-style: chr12-132675411-T-G. GRCh37 (hg19) VCF-style: chr12-133251997-T-G.
Other names: short protein forms M405L.
Identifiers: ClinVar variation 423033 (VCV000423033.2), dbSNP rs1064796182, ClinGen allele CA16619475.